The following is an entry in ClinVar:

ClinVar aggregate classification (germline): Pathogenic (1 of 4 stars; one submission).

Submission:

Labcorp Genetics (formerly Invitae), Labcorp
Classification: Pathogenic. Last evaluated: 2022-09-13. Review status: criteria provided, single submitter. Criteria: Invitae Variant Classification Sherloc (09022015). Collection method: clinical testing. Allele origin: germline.
Comment: This sequence change creates a premature translational stop signal (p.Val301Cysfs*29) in the RBP3 gene. It is expected to result in an absent or disrupted protein product. Loss-of-function variants in RBP3 are known to be pathogenic (PMID: 9614228, 23105016, 25766589). For these reasons, this variant has been classified as Pathogenic. Algorithms developed to predict the effect of sequence changes on RNA splicing suggest that this variant may create or strengthen a splice site. ClinVar contains an entry for this variant (Variation ID: 1377498). This variant has not been reported in the literature in individuals affected with RBP3-related conditions. This variant is not present in population databases (gnomAD no frequency).

Literature cited by the submitters: PubMed 9614228; PubMed 23105016; PubMed 25766589.

NM_002900.3(RBP3):c.901del (p.Val301fs)

Gene: RBP3 (retinol binding protein 3; plus strand). Cytogenetic location: 10q11.22.
Variant type: Deletion.
Coding change: c.901del on transcript NM_002900.3 (MANE Select); coding-DNA position 901, one base deleted (G; older notation c.901delG).
Protein change: p.Val301fs; shifts the reading frame from valine 301.
Molecular consequence: frameshift variant.
Genome position (GRCh38, 1-based): chr10:47,349,385, G deleted; the last of 4 consecutive G bases (chr10:47,349,382-47,349,385); deleting any one gives the same sequence. VCF-style (leftmost placement, unchanged base first): chr10-47349381-CG-C. GRCh37 (hg19) VCF-style: chr10-48389976-AC-A.
Other names: short protein forms V301fs.
Identifiers: ClinVar variation 1377498 (VCV001377498.6), dbSNP rs2132253074, ClinGen allele CA2573145150.
Genomic context (GRCh38, chr10:47,349,381, plus strand): 5'-GGTGCCCGTGTCCAGGTCCCTGGGGCCCCTTGGTGGAGGCAGCCAGACGTGGGAGGGCAG[CG>C]GGGTGCTGCCCTGTGTGGGGACTCCGGCCGAGCAGGCCCTGGAGAAAGCCCTGGCCATCC-3'